The following is an entry in ClinVar:

ClinVar aggregate classification (germline): Benign/Likely benign. Review status: criteria provided, multiple submitters, no conflicts (2 of 4 stars). 21 submissions from 21 submitters: Benign (5); Likely benign (12). 4 of the submissions do not count toward it. Last evaluated 2026-09-01.

Conditions:
NF1-related disorder. Also called: NF1-related condition. Identifiers: MedGen CN379171.
Hereditary cancer-predisposing syndrome. Also called: Hereditary neoplastic syndrome; Tumor predisposition; Neoplastic Syndromes, Hereditary; Hereditary Cancer Syndrome. Identifiers: Orphanet 140162, MedGen C0027672, MeSH D009386, MONDO:0015356.
Neurofibromatosis, type 1 (NF1). Also called: Peripheral type neurofibromatosis; Neurofibromatosis, type I; NEUROFIBROMATOSIS, TYPE I, SOMATIC; VON RECKLINGHAUSEN DISEASE. Identifiers: Orphanet 636, MedGen C0027831, MONDO:0018975, OMIM 162200. Disease mechanism: loss of function.
Neurofibromatosis-Noonan syndrome (NFNS). Also called: NEUROFIBROMATOSIS WITH NOONAN PHENOTYPE. Identifiers: Orphanet 638, MedGen C2931482, MONDO:0011035, OMIM 601321. Disease mechanism: loss of function.
Café-au-lait macules with pulmonary stenosis (WTSN). Also called: PULMONIC STENOSIS WITH CAFE-AU-LAIT SPOTS. Identifiers: MedGen C0553586, MONDO:0008672, OMIM 193520.
Juvenile myelomonocytic leukemia (JMML). Also called: LEUKEMIA, JUVENILE MYELOMONOCYTIC, SOMATIC. Identifiers: Orphanet 86834, MedGen C0349639, MONDO:0011908, OMIM 607785, HP:0012209.
Neurofibromatosis, familial spinal (FSNF). Identifiers: Orphanet 636, MedGen C1834235, MONDO:0008078, OMIM 162210. Disease mechanism: loss of function.

Allele frequency attached by ClinVar (database versions not stated): ExAC 0.00091; ESP Exome Variant Server 0.00092; 1000 Genomes Project 0.00100; gnomAD exomes 0.00113; 1000 Genomes Project 30x 0.00125; gnomAD 0.00125 and 0.00127; TOPMed 0.00182.
gnomAD v4.1: 1,578 of 1,614,034 alleles (0.098%); highest among the groups gnomAD compares: Middle Eastern, 0.79%; 6 homozygotes.

Submissions (21):

CeGaT Center for Human Genetics Tuebingen
Classification: Likely benign. Last evaluated: 2026-09-01. Review status: criteria provided, single submitter. Criteria: CeGaT Center For Human Genetics Tuebingen Variant Classification Criteria Version 2. Collection method: clinical testing. Allele origin: germline. Affected: yes. Observed: 24 variant alleles.
Comment: NF1: BP4, BS1

Myriad Genetics, Inc.
Classification: Benign for Neurofibromatosis, type 1. Last evaluated: 2026-05-21. Review status: criteria provided, single submitter. Criteria: Myriad Autosomal Dominant, Autosomal Recessive and X-Linked Classification Criteria (2023). Collection method: clinical testing. Allele origin: unknown.
Comment: This variant is considered benign. This variant is a silent/synonymous amino acid change and it is not expected to impact splicing.

Labcorp Genetics (formerly Invitae), Labcorp
Classification: Benign for Neurofibromatosis, type 1. Last evaluated: 2026-02-04. Review status: criteria provided, single submitter. Criteria: Invitae Variant Classification Sherloc (09022015). Collection method: clinical testing. Allele origin: germline.

Department of Pathology and Laboratory Medicine, Sinai Health System
Classification: Likely benign for Neurofibromatosis, type 1; Neurofibromatosis, familial spinal; Café-au-lait macules with pulmonary stenosis; Neurofibromatosis-Noonan syndrome; Juvenile myelomonocytic leukemia. Last evaluated: 2025-02-03. Review status: criteria provided, single submitter. Criteria: ACMG Guidelines, 2015. Collection method: clinical testing. Allele origin: germline. Affected: yes.

Mayo Clinic Laboratories, Mayo Clinic
Classification: Likely benign. Last evaluated: 2024-12-13. Review status: criteria provided, single submitter. Criteria: ACMG Guidelines, 2015. Collection method: clinical testing. Allele origin: germline. Observed: 4 variant alleles.
Comment: BS1, BP4, BP7

Blueprint Genetics
Classification: Likely benign. Last evaluated: 2024-11-27. Review status: criteria provided, single submitter. Criteria: ACMG Guidelines, 2015. Collection method: clinical testing. Allele origin: germline.

ARUP Laboratories, Molecular Genetics and Genomics, ARUP Laboratories
Classification: Benign. Last evaluated: 2024-03-13. Review status: criteria provided, single submitter. Criteria: ARUP Molecular Germline Variant Investigation Process 2024. Collection method: clinical testing. Allele origin: germline.

Genome-Nilou Lab
Classification: Likely benign for Neurofibromatosis, type 1. Last evaluated: 2022-03-15. Review status: criteria provided, single submitter. Criteria: ACMG Guidelines, 2015. Collection method: clinical testing. Allele origin: germline. Affected: no.

Fulgent Genetics
Classification: Likely benign for Neurofibromatosis, type 1; Neurofibromatosis, familial spinal; Café-au-lait macules with pulmonary stenosis; Neurofibromatosis-Noonan syndrome; Juvenile myelomonocytic leukemia. Last evaluated: 2021-11-30. Review status: criteria provided, single submitter. Criteria: ACMG Guidelines, 2015. Collection method: clinical testing. Allele origin: unknown.

Sema4
Classification: Likely benign for Hereditary cancer-predisposing syndrome. Last evaluated: 2021-07-12. Review status: criteria provided, single submitter. Criteria: Sema4 Curation Guidelines. Collection method: curation. Allele origin: germline.

Genetic Services Laboratory, University of Chicago
Classification: Benign. Last evaluated: 2021-07-07. Review status: criteria provided, single submitter. Criteria: ACMG Guidelines, 2015. Collection method: clinical testing. Allele origin: germline. Affected: no.

GeneDx
Classification: Likely benign. Last evaluated: 2021-03-18. Review status: criteria provided, single submitter. Criteria: GeneDx Variant Classification Process June 2021. Collection method: clinical testing. Allele origin: germline. Affected: yes.
Comment: This variant is associated with the following publications: (PMID: 31573083, 27534895)

Genome Diagnostics Laboratory, The Hospital for Sick Children
Classification: Likely benign for Neurofibromatosis, type 1. Last evaluated: 2020-10-26. Review status: criteria provided, single submitter. Criteria: ACMG Guidelines, 2015. Collection method: clinical testing. Allele origin: germline. Affected: yes.

Women's Health and Genetics/Laboratory Corporation of America, LabCorp
Classification: Benign. Last evaluated: 2020-01-22. Review status: criteria provided, single submitter. Criteria: LabCorp Variant Classification Summary - May 2015. Collection method: clinical testing. Allele origin: germline.

Mendelics
Classification: Likely benign for Neurofibromatosis, type 1. Last evaluated: 2019-05-28. Review status: criteria provided, single submitter. Criteria: Mendelics Assertion Criteria 2017. Collection method: clinical testing. Allele origin: unknown.

Laboratory for Molecular Medicine, Mass General Brigham Personalized Medicine
Classification: Likely benign. Last evaluated: 2015-10-13. Review status: criteria provided, single submitter. Criteria: LMM Criteria. Collection method: clinical testing. Allele origin: germline. Observed: 2 variant alleles.
Comment: p.Gln2528Gln in exon 51 of NF1: This variant is not expected to have clinical si gnificance because it does not alter an amino acid residue and is not located wi thin the splice consensus sequence. It has been identified in 0.13% (83/66330) o f European American chromosomes by the Exome Aggregation Consortium (ExAC; dbSNP rs55865524).

Ambry Genetics
Classification: Likely benign for Hereditary cancer-predisposing syndrome. Last evaluated: 2014-06-13. Review status: criteria provided, single submitter. Criteria: Ambry Autosomal Dominant and X-Linked criteria (10/2015). Collection method: clinical testing. Allele origin: germline. Observed: 1 variant allele.

PreventionGenetics, part of Exact Sciences
Classification: Benign for NF1-related condition. Last evaluated: 2020-01-07. Review status: no assertion criteria provided. Collection method: clinical testing. Allele origin: germline. Not counted in ClinVar's aggregate classification.
Comment: This variant is classified as benign based on ACMG/AMP sequence variant interpretation guidelines (Richards et al. 2015 PMID: 25741868, with internal and published modifications).

Medical Genetics, University of Parma
Classification: Uncertain significance for Neurofibromatosis type 1. Last evaluated: 2017-02-02. Review status: no assertion criteria provided. Collection method: clinical testing. Allele origin: germline. Affected: yes. Not counted in ClinVar's aggregate classification.

Clinical Genetics DNA and cytogenetics Diagnostics Lab, Erasmus MC, Erasmus Medical Center
Classification: Benign. Review status: no assertion criteria provided. Collection method: clinical testing. Allele origin: germline. Affected: yes. Study: VKGL Data-share Consensus. Not counted in ClinVar's aggregate classification.

Genome Diagnostics Laboratory, Amsterdam University Medical Center
Classification: Likely benign. Review status: no assertion criteria provided. Collection method: clinical testing. Allele origin: germline. Affected: yes. Study: VKGL Data-share Consensus. Not counted in ClinVar's aggregate classification.

Literature cited by the submitters: PubMed 10678181 (cited by Women's Health and Genetics/Laboratory Corporation of America, LabCorp); PubMed 23460398 (cited by Women's Health and Genetics/Laboratory Corporation of America, LabCorp).

NM_001042492.3(NF1):c.7584A>G (p.Gln2528=)

Gene: NF1 (neurofibromin 1; plus strand). Cytogenetic location: 17q11.2.
Variant type: single nucleotide variant.
Coding change: c.7584A>G on transcript NM_001042492.3 (MANE Select); coding-DNA position 7584, A replaced by G.
Protein change: p.Gln2528=; no amino-acid change (glutamine 2528 retained).
Molecular consequence: synonymous variant.
Genome position (GRCh38, 1-based): chr17:31,352,383, A>G. VCF-style: chr17-31352383-A-G. GRCh37 (hg19) VCF-style: chr17-29679401-A-G.
Other names: p.Gln2507=; c.7521A>G, p.Gln2507= (NM_000267.4).
Identifiers: ClinVar variation 184154 (VCV000184154.75), dbSNP rs55865524, ClinGen allele CA188000.